The following is an entry in ClinVar:

NM_002730.4(PRKACA):c.46+3338G>A

Gene: PRKACA (protein kinase cAMP-activated catalytic subunit alpha; minus strand). Cytogenetic location: 19p13.12.
Variant type: single nucleotide variant.
Coding change: c.46+3338G>A on transcript NM_002730.4 (MANE Select); 3338 bases into the intron after coding-DNA position 46, G replaced by A.
Molecular consequence: intron variant. On other transcripts: 5 prime UTR variant (1).
Genome position (GRCh38, 1-based): chr19:14,114,164, C>T on the plus strand (G>A on the coding strand, the complement: PRKACA is on the minus strand). VCF-style: chr19-14114164-C-T. GRCh37 (hg19) VCF-style: chr19-14224976-C-T.
Other names: c.-9G>A (NM_207518.3).
Identifiers: ClinVar variation 3047053 (VCV003047053.2), dbSNP rs200209462, ClinGen allele CA9249512.

ClinVar aggregate classification (germline): Likely benign (0 of 4 stars; one submission).

Conditions:
PRKACA-related disorder. Also called: PRKACA-related condition.

Allele frequency attached by ClinVar (database versions not stated): TOPMed 0.00001; gnomAD 0.00002.
gnomAD v4.1: 61 of 1,611,088 alleles (0.0038%); highest among the groups gnomAD compares: Non-Finnish European, 0.0051%; no homozygotes.

Submission:

PreventionGenetics, part of Exact Sciences
Classification: Likely benign for PRKACA-related condition. Last evaluated: 2019-03-13. Review status: no assertion criteria provided. Collection method: clinical testing. Allele origin: germline.
Comment: This variant is classified as likely benign based on ACMG/AMP sequence variant interpretation guidelines (Richards et al. 2015 PMID: 25741868, with internal and published modifications).